The following is an entry in ClinVar:

NM_000834.5(GRIN2B):c.504C>A (p.Ile168=)

Gene: GRIN2B (glutamate ionotropic receptor NMDA type subunit 2B; minus strand). Cytogenetic location: 12p13.1.
Variant type: single nucleotide variant.
Coding change: c.504C>A on transcript NM_000834.5 (MANE Select); coding-DNA position 504, C replaced by A.
Protein change: p.Ile168=; no amino-acid change (isoleucine 168 retained).
Molecular consequence: synonymous variant.
Genome position (GRCh38, 1-based): chr12:13,753,823, G>T on the plus strand (C>A on the coding strand, the complement: GRIN2B is on the minus strand). VCF-style: chr12-13753823-G-T. GRCh37 (hg19) VCF-style: chr12-13906757-G-T.
Other names: p.I168I:ATC>ATA; p.Ile168=; c.504C>A (NM_000834.4).
Identifiers: ClinVar variation 129207 (VCV000129207.23), dbSNP rs36031537, ClinGen allele CA288906.

ClinVar aggregate classification (germline): Benign. Review status: criteria provided, multiple submitters, no conflicts (2 of 4 stars). 7 submissions from 7 submitters: Benign (6). 1 of the submissions does not count toward it. Last evaluated 2026-02-03.

Conditions:
Inborn genetic diseases. Identifiers: MedGen C0950123, MeSH D030342.
Intellectual developmental disorder, autosomal dominant 6, with or without seizures. Also called: Intellectual disability, autosomal dominant 6; GRIN2B-related developmental delay, intellectual disability and autism spectrum disorder. Identifiers: Orphanet 589547, MedGen C3151411, MONDO:0013509, OMIM 613970.
Developmental and epileptic encephalopathy, 27 (DEE27). Also called: Epileptic encephalopathy, early infantile, 27; GRIN2B-Related Neurodevelopmental Disorder. Identifiers: Orphanet 3451, MedGen C4015316, MONDO:0014505, OMIM 616139.

Allele frequency attached by ClinVar (database versions not stated): gnomAD exomes 0.00162 and 0.00438; ExAC 0.00546; gnomAD 0.01617 and 0.01733; 1000 Genomes Project 0.01817; TOPMed 0.01867; 1000 Genomes Project 30x 0.01905; ESP Exome Variant Server 0.02137.
gnomAD v4.1: 4,874 of 1,613,522 alleles (0.3%); highest among the groups gnomAD compares: African/African-American, 5.8%; 123 homozygotes.

Submissions (7):

Labcorp Genetics (formerly Invitae), Labcorp
Classification: Benign for Developmental and epileptic encephalopathy, 27; Intellectual developmental disorder, autosomal dominant 6, with or without seizures. Last evaluated: 2026-02-03. Review status: criteria provided, single submitter. Criteria: Invitae Variant Classification Sherloc (09022015). Collection method: clinical testing. Allele origin: germline.

Mayo Clinic Laboratories, Mayo Clinic
Classification: Benign. Last evaluated: 2018-12-24. Review status: criteria provided, single submitter. Criteria: ACMG Guidelines, 2015. Collection method: clinical testing. Allele origin: germline. Observed: 6 variant alleles.

Athena Diagnostics
Classification: Benign. Last evaluated: 2017-07-03. Review status: criteria provided, single submitter. Criteria: Athena Diagnostics Criteria. Collection method: clinical testing. Allele origin: germline.

Ambry Genetics
Classification: Benign for Inborn genetic diseases. Last evaluated: 2016-03-13. Review status: criteria provided, single submitter. Criteria: Ambry Variant Classification Scheme 2023. Collection method: clinical testing. Allele origin: germline.

GeneDx
Classification: Benign. Last evaluated: 2013-10-23. Review status: criteria provided, single submitter. Criteria: GeneDx Variant Classification (06012015). Collection method: clinical testing. Allele origin: germline. Affected: yes.
Comment: This variant is considered likely benign or benign based on one or more of the following criteria: it is a conservative change, it occurs at a poorly conserved position in the protein, it is predicted to be benign by multiple in silico algorithms, and/or has population frequency not consistent with disease.

Breakthrough Genomics
Classification: Benign. Review status: criteria provided, single submitter. Criteria: ACMG Guidelines, 2015. Collection method: not provided. Allele origin: germline. Inheritance: Autosomal dominant inheritance. Affected: yes.

Genetic Services Laboratory, University of Chicago
Classification: Likely benign for AllHighlyPenetrant. Review status: no assertion criteria provided. Collection method: clinical testing. Allele origin: germline. Inheritance: Autosomal dominant inheritance. Not counted in ClinVar's aggregate classification.
Comment: Likely benign based on allele frequency in 1000 Genomes Project or ESP global frequency and its presence in a patient with a rare or unrelated disease phenotype. NOT Sanger confirmed.